The following is an entry in ClinVar:

NM_152617.4(RNF168):c.939C>A (p.Asn313Lys)

Gene: RNF168 (ring finger protein 168; minus strand). Cytogenetic location: 3q29.
Variant type: single nucleotide variant.
Coding change: c.939C>A on transcript NM_152617.4 (MANE Select); coding-DNA position 939, C replaced by A.
Protein change: p.Asn313Lys; replaces asparagine 313 with lysine.
Molecular consequence: missense variant.
Genome position (GRCh38, 1-based): chr3:196,472,596, G>T on the plus strand (C>A on the coding strand, the complement: RNF168 is on the minus strand). VCF-style: chr3-196472596-G-T. GRCh37 (hg19) VCF-style: chr3-196199467-G-T.
Other names: short protein forms N313K.
Identifiers: ClinVar variation 1698194 (VCV001698194.2), dbSNP rs752156732, ClinGen allele CA355617972.
Genomic context (GRCh38, chr3:196,472,596, plus strand): 5'-AGGTCGCTCGTGACTTAAGACACATAACTCTTTCCCATGATTGCTTGGTCTTGTTTTGAC[G>T]TTTCCTTCATGGTACCATTCGGCACCACAGGCACATAACCATGGCATAGGGGACTCTATT-3'
Protein context (NP_689830.2, residues 303-323): ACGAEWYHEG[Asn313Lys]VKTRPSNHGK

ClinVar aggregate classification (germline): Uncertain significance (1 of 4 stars; one submission).

gnomAD v4.1: 1 of 1,614,188 alleles (0.000062%); highest among the groups gnomAD compares: Non-Finnish European, 0.000085%; no homozygotes.

Submission:

GeneDx
Classification: Uncertain significance. Last evaluated: 2022-01-21. Review status: criteria provided, single submitter. Criteria: GeneDx Variant Classification Process June 2021. Collection method: clinical testing. Allele origin: germline. Affected: yes.
Comment: Not observed at significant frequency in large population cohorts (gnomAD); In silico analysis supports that this missense variant does not alter protein structure/function; Has not been previously published as pathogenic or benign to our knowledge